The following is an entry in ClinVar:

ClinVar aggregate classification (germline): Uncertain significance. Review status: criteria provided, multiple submitters, no conflicts (2 of 4 stars). 2 submissions from 2 submitters: Uncertain significance (2). Last evaluated 2025-04-17.

Conditions:
Inborn genetic diseases. Identifiers: MedGen C0950123, MeSH D030342.
Kabuki syndrome 2 (KABUK2). Also called: KDM6A-Related Kabuki Syndrome. Identifiers: Orphanet 2322, MedGen C3275495, MONDO:0010465, OMIM 300867.

Allele frequency attached by ClinVar (database versions not stated): gnomAD 0.00001.
gnomAD v4.1: 1 of 1,208,679 alleles (0.000083%); highest among the groups gnomAD compares: Non-Finnish European, 0.00011%; no homozygotes.

Submissions (2):

Labcorp Genetics (formerly Invitae), Labcorp
Classification: Uncertain significance for Kabuki syndrome 2. Last evaluated: 2025-04-17. Review status: criteria provided, single submitter. Criteria: Invitae Variant Classification Sherloc (09022015). Collection method: clinical testing. Allele origin: germline.
Comment: This sequence change replaces serine, which is neutral and polar, with proline, which is neutral and non-polar, at codon 862 of the KDM6A protein (p.Ser862Pro). This variant is not present in population databases (gnomAD no frequency). This variant has not been reported in the literature in individuals affected with KDM6A-related conditions. ClinVar contains an entry for this variant (Variation ID: 2879686). Invitae Evidence Modeling of protein sequence and biophysical properties (such as structural, functional, and spatial information, amino acid conservation, physicochemical variation, residue mobility, and thermodynamic stability) indicates that this missense variant is not expected to disrupt KDM6A protein function with a negative predictive value of 80%. In summary, the available evidence is currently insufficient to determine the role of this variant in disease. Therefore, it has been classified as a Variant of Uncertain Significance.

Ambry Genetics
Classification: Uncertain significance for Inborn genetic diseases. Last evaluated: 2025-02-09. Review status: criteria provided, single submitter. Criteria: Ambry Variant Classification Scheme 2023. Collection method: clinical testing. Allele origin: germline.

NM_001291415.2(KDM6A):c.2740T>C (p.Ser914Pro)

Gene: KDM6A (lysine demethylase 6A; plus strand). Cytogenetic location: Xp11.3.
Variant type: single nucleotide variant.
Coding change: c.2740T>C on transcript NM_001291415.2 (MANE Select); coding-DNA position 2740, T replaced by C.
Protein change: p.Ser914Pro; replaces serine 914 with proline.
Molecular consequence: missense variant. On other transcripts: non-coding transcript variant (1).
Genome position (GRCh38, 1-based): chrX:45,070,239, T>C. VCF-style: chrX-45070239-T-C. GRCh37 (hg19) VCF-style: chrX-44929484-T-C.
Other names: c.1696T>C, p.Ser566Pro (NM_001291421.2); c.2482T>C, p.Ser828Pro (NM_001410742.1, NM_001419814.1); c.2740T>C, p.Ser914Pro (NM_001419809.1); c.2638T>C, p.Ser880Pro (NM_001419810.1, NM_001419813.1); c.2605T>C, p.Ser869Pro (NM_001419811.1, NM_001291416.2); c.2584T>C, p.Ser862Pro (NM_001419812.1, NM_021140.4); c.2347T>C, p.Ser783Pro (NM_001419815.1, NM_001291418.2); c.2449T>C, p.Ser817Pro (NM_001291417.2); and 1 more; short protein forms S869P, S880P, S914P, S783P, S828P, S862P, S566P, S817P.
Identifiers: ClinVar variation 2879686 (VCV002879686.4), dbSNP rs2148055101, ClinGen allele CA412795705.